The following is an entry in ClinVar:

ClinVar aggregate classification (germline): Uncertain significance (1 of 4 stars; one submission).

gnomAD v4.1: 1 of 1,613,900 alleles (0.000062%); highest among the groups gnomAD compares: Non-Finnish European, 0.000085%; no homozygotes.

Submission:

Labcorp Genetics (formerly Invitae), Labcorp
Classification: Uncertain significance. Last evaluated: 2022-06-27. Review status: criteria provided, single submitter. Criteria: Invitae Variant Classification Sherloc (09022015). Collection method: clinical testing. Allele origin: germline.
Comment: In summary, the available evidence is currently insufficient to determine the role of this variant in disease. Therefore, it has been classified as a Variant of Uncertain Significance. Algorithms developed to predict the effect of missense changes on protein structure and function are either unavailable or do not agree on the potential impact of this missense change (SIFT: "Deleterious"; PolyPhen-2: "Possibly Damaging"; Align-GVGD: "Class C15"). This variant has not been reported in the literature in individuals affected with TRAK1-related conditions. This variant is not present in population databases (gnomAD no frequency). This sequence change replaces glutamic acid, which is acidic and polar, with valine, which is neutral and non-polar, at codon 342 of the TRAK1 protein (p.Glu342Val).

NM_001042646.3(TRAK1):c.1025A>T (p.Glu342Val)

Gene: TRAK1 (trafficking kinesin protein 1; plus strand). Cytogenetic location: 3p22.1.
Variant type: single nucleotide variant.
Coding change: c.1025A>T on transcript NM_001042646.3 (MANE Select); coding-DNA position 1025, A replaced by T.
Protein change: p.Glu342Val; replaces glutamic acid 342 with valine.
Molecular consequence: missense variant. On other transcripts: non-coding transcript variant (1).
Genome position (GRCh38, 1-based): chr3:42,194,853, A>T. VCF-style: chr3-42194853-A-T. GRCh37 (hg19) VCF-style: chr3-42236345-A-T.
Other names: c.1025A>T, p.Glu342Val (NM_001265608.2, NM_001349246.2, NM_001349247.2); c.803A>T, p.Glu268Val (NM_001265609.2, NM_001265610.1, NM_001349248.1 and 1 more transcripts); c.713A>T, p.Glu238Val (NM_001349245.1); c.851A>T, p.Glu284Val (NM_014965.5); short protein forms E268V, E238V, E342V, E284V.
Identifiers: ClinVar variation 1508599 (VCV001508599.6), dbSNP rs2149441913, ClinGen allele CA352244837.
Genomic context (GRCh38, chr3:42,194,853, plus strand): 5'-CCTGCCTGCAGCTGCGTGAGCTGGAGGACAAGTACGCAGAGTGCATGGAGATGCTGCATG[A>T]GGCGCAGGAGGAGCTGAAGAACCTCCGGAACAAAACCATGCCCAATACCACGTCTCGGCG-3'
Protein context (NP_001036111.1, residues 332-352): KYAECMEMLH[Glu342Val]AQEELKNLRN